The following is an entry in ClinVar:

NM_144672.4(OTOA):c.1810_1813del (p.Asn604fs)

Gene: OTOA (otoancorin). Cytogenetic location: 16p12.2.
Variant type: Deletion.
Coding change: c.1810_1813del on transcript NM_144672.4 (MANE Select); coding-DNA positions 1810 to 1813, 4 bases deleted.
Protein change: p.Asn604fs; shifts the reading frame from asparagine 604.
Molecular consequence: frameshift variant.
Genome position: GRCh38 VCF-style: chr16-21722905-GTTAA-G. GRCh37 (hg19) VCF-style: chr16-21734226-GTTAA-G.
Other names: c.1573_1576del, p.Asn525fs (NM_001161683.2); c.838_841del, p.Asn280fs (NM_170664.3); short protein forms N280fs, N604fs, N525fs.
Identifiers: ClinVar variation 2841727 (VCV002841727.3), dbSNP rs2507049524, ClinGen allele CA2632221112.

ClinVar aggregate classification (germline): Pathogenic (1 of 4 stars; one submission).

Submission:

Labcorp Genetics (formerly Invitae), Labcorp
Classification: Pathogenic. Last evaluated: 2023-05-21. Review status: criteria provided, single submitter. Criteria: Invitae Variant Classification Sherloc (09022015). Collection method: clinical testing. Allele origin: germline.
Comment: For these reasons, this variant has been classified as Pathogenic. This variant has not been reported in the literature in individuals affected with OTOA-related conditions. This variant is not present in population databases (gnomAD no frequency). This sequence change creates a premature translational stop signal (p.Asn604Valfs*39) in the OTOA gene. It is expected to result in an absent or disrupted protein product. Loss-of-function variants in OTOA are known to be pathogenic (PMID: 11972037).

Literature cited by the submitters: PubMed 11972037.